The following is an entry in ClinVar:

ClinVar aggregate classification (germline): Conflicting classifications of pathogenicity. Review status: criteria provided, conflicting classifications (1 of 4 stars). 2 submissions from 2 submitters: Uncertain significance (1); Likely benign (1). Last evaluated 2025-09-07.

Conditions:
Hereditary cancer-predisposing syndrome. Also called: Hereditary Cancer Syndrome; Hereditary neoplastic syndrome; Neoplastic Syndromes, Hereditary; Tumor predisposition. Identifiers: Orphanet 140162, MedGen C0027672, MeSH D009386, MONDO:0015356.
Hereditary breast ovarian cancer syndrome. Also called: Hereditary breast and ovarian cancer; BRCA1- and BRCA2-Associated Hereditary Breast and Ovarian Cancer; Hereditary breast and ovarian cancer syndrome (HBOC); Hereditary breast and ovarian cancer syndrome; Breast and ovarian cancer; Hereditary breast and/or ovarian cancer syndrome. Identifiers: Orphanet 145, MedGen C0677776, MeSH D061325, MONDO:0003582. Disease mechanism: loss of function.

Submissions (2):

Ambry Genetics
Classification: Likely benign for Hereditary cancer-predisposing syndrome. Last evaluated: 2025-09-07. Review status: criteria provided, single submitter. Criteria: Ambry Variant Classification Scheme 2023. Collection method: clinical testing. Allele origin: germline.

Labcorp Genetics (formerly Invitae), Labcorp
Classification: Uncertain significance for Hereditary breast ovarian cancer syndrome. Last evaluated: 2024-10-07. Review status: criteria provided, single submitter. Criteria: Invitae Variant Classification Sherloc (09022015). Collection method: clinical testing. Allele origin: germline.
Comment: This sequence change replaces isoleucine, which is neutral and non-polar, with valine, which is neutral and non-polar, at codon 3171 of the BRCA2 protein (p.Ile3171Val). This variant is not present in population databases (gnomAD no frequency). This variant has not been reported in the literature in individuals affected with BRCA2-related conditions. ClinVar contains an entry for this variant (Variation ID: 1767229). Invitae Evidence Modeling of protein sequence and biophysical properties (such as structural, functional, and spatial information, amino acid conservation, physicochemical variation, residue mobility, and thermodynamic stability) indicates that this missense variant is not expected to disrupt BRCA2 protein function with a negative predictive value of 95%. In summary, the available evidence is currently insufficient to determine the role of this variant in disease. Therefore, it has been classified as a Variant of Uncertain Significance.

NM_000059.4(BRCA2):c.9511A>G (p.Ile3171Val)

Gene: BRCA2 (BRCA2 DNA repair associated; plus strand). Cytogenetic location: 13q13.1.
Variant type: single nucleotide variant.
Coding change: c.9511A>G on transcript NM_000059.4 (MANE Select); coding-DNA position 9511, A replaced by G.
Protein change: p.Ile3171Val; replaces isoleucine 3171 with valine.
Molecular consequence: missense variant.
Genome position (GRCh38, 1-based): chr13:32,396,907, A>G. VCF-style: chr13-32396907-A-G. GRCh37 (hg19) VCF-style: chr13-32971044-A-G.
Other names: c.9415A>G, p.Ile3139Val (NM_001406719.1); c.9460A>G, p.Ile3154Val (NM_001406720.1); c.4579A>G, p.Ile1527Val (NM_001406721.1); c.3094A>G, p.Ile1032Val (NM_001406722.1); short protein forms I3154V, I1527V, I3139V, I3171V, I1032V.
Identifiers: ClinVar variation 1767229 (VCV001767229.8), dbSNP rs786202713, ClinGen allele CA387762865.